The following is an entry in ClinVar:

ClinVar aggregate classification (germline): Uncertain significance (1 of 4 stars; one submission).

Conditions:
Familial adenomatous polyposis 1 (FAP1). Also called: FAMILIAL ADENOMATOUS POLYPOSIS 1, ATTENUATED; POLYPOSIS, ADENOMATOUS INTESTINAL. Identifiers: MedGen C2713442, MONDO:0021056, OMIM 175100. Disease mechanism: loss of function.

Submission:

Labcorp Genetics (formerly Invitae), Labcorp
Classification: Uncertain significance for Familial adenomatous polyposis 1. Last evaluated: 2026-01-19. Review status: criteria provided, single submitter. Criteria: Invitae Variant Classification Sherloc (09022015). Collection method: clinical testing. Allele origin: germline.
Comment: This sequence change replaces leucine, which is neutral and non-polar, with proline, which is neutral and non-polar, at codon 145 of the APC protein (p.Leu145Pro). This variant is not present in population databases (gnomAD no frequency). This variant has not been reported in the literature in individuals affected with APC-related conditions. ClinVar contains an entry for this variant (Variation ID: 2861977). Invitae Evidence Modeling of protein sequence and biophysical properties (such as structural, functional, and spatial information, amino acid conservation, physicochemical variation, residue mobility, and thermodynamic stability) indicates that this missense variant is not expected to disrupt APC protein function with a negative predictive value of 95%. In summary, the available evidence is currently insufficient to determine the role of this variant in disease. Therefore, it has been classified as a Variant of Uncertain Significance.

NM_000038.6(APC):c.434T>C (p.Leu145Pro)

Gene: APC (APC regulator of Wnt signaling pathway; plus strand). Cytogenetic location: 5q22.2.
Variant type: single nucleotide variant.
Coding change: c.434T>C on transcript NM_000038.6 (MANE Select); coding-DNA position 434, T replaced by C.
Protein change: p.Leu145Pro; replaces leucine 145 with proline.
Molecular consequence: missense variant. On other transcripts: 5 prime UTR variant (4), non-coding transcript variant (2).
Genome position (GRCh38, 1-based): chr5:112,775,640, T>C. VCF-style: chr5-112775640-T-C. GRCh37 (hg19) VCF-style: chr5-112111337-T-C.
Other names: c.434T>C, p.Leu145Pro (NM_001127510.3, NM_001354895.2, NM_001354896.2 and 16 more transcripts); c.464T>C, p.Leu155Pro (NM_001127511.3, NM_001354897.2, NM_001354902.2 and 1 more transcripts); c.359T>C, p.Leu120Pro (NM_001354898.2, NM_001354904.2, NM_001407451.1); c.257T>C, p.Leu86Pro (NM_001354900.2, NM_001354901.2, NM_001354905.2 and 1 more transcripts); c.-602T>C (NM_001354906.2, NM_001407470.1, NM_001407471.1 and 1 more transcripts); short protein forms L120P, L145P, L86P, L155P.
Identifiers: ClinVar variation 2861977 (VCV002861977.3), dbSNP rs2149614548, ClinGen allele CA16022271.